The following is an entry in ClinVar:

NM_001260.3(CDK8):c.788C>T (p.Ala263Val)

Gene: CDK8 (cyclin dependent kinase 8; plus strand). Cytogenetic location: 13q12.13.
Variant type: single nucleotide variant.
Coding change: c.788C>T on transcript NM_001260.3 (MANE Select); coding-DNA position 788, C replaced by T.
Protein change: p.Ala263Val; replaces alanine 263 with valine.
Molecular consequence: missense variant.
Genome position (GRCh38, 1-based): chr13:26,393,508, C>T. VCF-style: chr13-26393508-C-T. GRCh37 (hg19) VCF-style: chr13-26967645-C-T.
Other names: c.788C>T, p.Ala263Val (NM_001318368.2); c.269C>T, p.Ala90Val (NM_001346501.2); short protein forms A263V, A90V.
Identifiers: ClinVar variation 4975224 (VCV004975224.1).
Genomic context (GRCh38, chr13:26,393,508, plus strand): 5'-CTAGTAATCCTTATCACCATGACCAGCTGGACAGAATATTCAATGTAATGGGATTTCCTG[C>T]AGGTACACATTATTCGTTTTTGTTTTTGTTTTTAAATCACTGTTGTTTGAACTTAGATGT-3'
Protein context (NP_001251.1, residues 253-273): DRIFNVMGFP[Ala263Val]DKDWEDIKKM

ClinVar aggregate classification (germline): Uncertain significance (1 of 4 stars; one submission).

Submission:

GeneDx
Classification: Uncertain significance. Last evaluated: 2026-01-08. Review status: criteria provided, single submitter. Criteria: GeneDx Variant Classification Process June 2021. Collection method: clinical testing. Allele origin: germline.
Comment: Not observed at significant frequency in large population cohorts (gnomAD); In silico analysis supports a deleterious effect on splicing; In silico analysis suggests that this missense variant does not alter protein structure/function; Has not been previously published as pathogenic or benign to our knowledge